The following is an entry in ClinVar:

NM_000052.7(ATP7A):c.972C>T (p.Ser324=)

Gene: ATP7A (ATPase copper transporting alpha; plus strand). Cytogenetic location: Xq21.1.
Variant type: single nucleotide variant.
Coding change: c.972C>T on transcript NM_000052.7 (MANE Select); coding-DNA position 972, C replaced by T.
Protein change: p.Ser324=; no amino-acid change (serine 324 retained).
Molecular consequence: synonymous variant.
Genome position (GRCh38, 1-based): chrX:77,989,594, C>T. VCF-style: chrX-77989594-C-T. GRCh37 (hg19) VCF-style: chrX-77245090-C-T.
Other names: c.972C>T, p.Ser324= (NM_001282224.2).
Identifiers: ClinVar variation 511551 (VCV000511551.1), dbSNP rs1002928416, ClinGen allele CA517464148.

ClinVar aggregate classification (germline): Likely benign (1 of 4 stars; one submission).

Submission:

GeneDx
Classification: Likely benign. Last evaluated: 2017-08-23. Review status: criteria provided, single submitter. Criteria: GeneDx Variant Classification (06012015). Collection method: clinical testing. Allele origin: germline. Affected: yes.
Comment: This variant is considered likely benign or benign based on one or more of the following criteria: it is a conservative change, it occurs at a poorly conserved position in the protein, it is predicted to be benign by multiple in silico algorithms, and/or has population frequency not consistent with disease.